The following is an entry in ClinVar:

NM_020975.6(RET):c.2217C>G (p.Val739=)

Gene: RET (ret proto-oncogene; plus strand). Cytogenetic location: 10q11.21.
Variant type: single nucleotide variant.
Coding change: c.2217C>G on transcript NM_020975.6 (MANE Select); coding-DNA position 2217, C replaced by G.
Protein change: p.Val739=; no amino-acid change (valine 739 retained).
Molecular consequence: synonymous variant.
Genome position (GRCh38, 1-based): chr10:43,116,664, C>G. VCF-style: chr10-43116664-C-G. GRCh37 (hg19) VCF-style: chr10-43612112-C-G.
Other names: c.2217C>G, p.Val739= (NM_000323.2, NM_001406743.1, NM_001406744.1 and 4 more transcripts); c.1455C>G, p.Val485= (NM_001355216.2); c.2088C>G, p.Val696= (NM_001406761.1, NM_001406762.1, NM_001406764.1); c.2082C>G, p.Val694= (NM_001406763.1, NM_001406765.1); c.1929C>G, p.Val643= (NM_001406766.1, NM_001406767.1, NM_001406770.1); c.1953C>G, p.Val651= (NM_001406768.1); c.1821C>G, p.Val607= (NM_001406769.1, NM_001406772.1); c.1779C>G, p.Val593= (NM_001406771.1, NM_001406773.1); and 10 more.
Identifiers: ClinVar variation 3074143 (VCV003074143.2), dbSNP rs2132906494, ClinGen allele CA469028027.

ClinVar aggregate classification (germline): Likely benign. Review status: criteria provided, multiple submitters, no conflicts (2 of 4 stars). 2 submissions from 2 submitters: Likely benign (2). Last evaluated 2025-11-03.

Conditions:
Hereditary cancer-predisposing syndrome. Also called: Neoplastic Syndromes, Hereditary; Tumor predisposition; Hereditary neoplastic syndrome; Hereditary Cancer Syndrome. Identifiers: Orphanet 140162, MedGen C0027672, MeSH D009386, MONDO:0015356.
Multiple endocrine neoplasia, type 2 (MEN2). Identifiers: Orphanet 653, MedGen C4048306, MONDO:0019003. Disease mechanism: gain of function.

Submissions (2):

Ambry Genetics
Classification: Likely benign for Hereditary cancer-predisposing syndrome. Last evaluated: 2025-11-03. Review status: criteria provided, single submitter. Criteria: Ambry Variant Classification Scheme 2023. Collection method: clinical testing. Allele origin: germline.

All of Us Research Program, National Institutes of Health
Classification: Likely benign for Multiple endocrine neoplasia, type 2. Last evaluated: 2023-10-23. Review status: criteria provided, single submitter. Criteria: ACMG Guidelines, 2015. Collection method: clinical testing. Allele origin: germline. Inheritance: Autosomal dominant inheritance. Observed: 1 variant allele, 1 heterozygote.
Comment: This study involves interpretation of variants in research participants for the purpose of population health screening. Participant phenotype was not available at the time of variant classification. Additional details can be found in publication PMID: 35346344, PMCID: PMC8962531